The following is an entry in ClinVar:

NM_020448.5(NIPAL3):c.90C>T (p.Tyr30=)

Genes: NIPAL3 (NIPA like domain containing 3; plus strand), LOC126805662 (CDK7 strongly-dependent group 2 enhancer GRCh37_chr1:24745074-24746273; plus strand). Cytogenetic location: 1p36.11.
Variant type: single nucleotide variant.
Coding change: c.90C>T on transcript NM_020448.5 (MANE Select); coding-DNA position 90, C replaced by T.
Protein change: p.Tyr30=; no amino-acid change (tyrosine 30 retained).
Molecular consequence: synonymous variant. On other transcripts: 5 prime UTR variant (5), non-coding transcript variant (3), intron variant (3).
Genome position (GRCh38, 1-based): chr1:24,419,637, C>T. VCF-style: chr1-24419637-C-T. GRCh37 (hg19) VCF-style: chr1-24746127-C-T.
Other names: c.90C>T, p.Tyr30= (NM_001322854.2, NM_001322855.2, NM_001322856.2 and 4 more transcripts); c.-544C>T (NM_001322858.2); c.-153C>T (NM_001322859.2); c.-93C>T (NM_001322860.2); c.-267C>T (NM_001322862.2); c.-239C>T (NM_001322863.2); c.66+24C>T (NM_001322866.2); c.90+3733C>T (NM_001322864.2); and 1 more.
Identifiers: ClinVar variation 3048167 (VCV003048167.2), dbSNP rs2294521, ClinGen allele CA690831.

ClinVar aggregate classification (germline): Benign (0 of 4 stars; one submission).

Conditions:
NIPAL3-related disorder. Also called: NIPAL3-related condition.

Allele frequency attached by ClinVar (database versions not stated): gnomAD 0.00053; TOPMed 0.00074; gnomAD exomes 0.00084; 1000 Genomes Project 30x 0.00141; 1000 Genomes Project 0.00160.
gnomAD v4.1: 1,293 of 1,613,648 alleles (0.08%); highest among the groups gnomAD compares: East Asian, 2.5%; 17 homozygotes.

Submission:

PreventionGenetics, part of Exact Sciences
Classification: Benign for NIPAL3-related condition. Last evaluated: 2019-11-16. Review status: no assertion criteria provided. Collection method: clinical testing. Allele origin: germline.
Comment: This variant is classified as benign based on ACMG/AMP sequence variant interpretation guidelines (Richards et al. 2015 PMID: 25741868, with internal and published modifications).